The following is an entry in ClinVar:

NM_133433.4(NIPBL):c.3304+5G>T

Gene: NIPBL (NIPBL cohesin loading factor; plus strand). Cytogenetic location: 5p13.2.
Variant type: single nucleotide variant.
Coding change: c.3304+5G>T on transcript NM_133433.4 (MANE Select); 5 bases into the intron after coding-DNA position 3304, G replaced by T.
Molecular consequence: intron variant.
Genome position (GRCh38, 1-based): chr5:36,995,809, G>T. VCF-style: chr5-36995809-G-T. GRCh37 (hg19) VCF-style: chr5-36995911-G-T.
Other names: c.3304+5G>T (NM_001438586.1, NM_015384.5).
Identifiers: ClinVar variation 4855573 (VCV004855573.1).

ClinVar aggregate classification (germline): Uncertain significance (1 of 4 stars; one submission).

Conditions:
Cornelia de Lange syndrome 1 (CDLS1). Also called: NIPBL-Related Cornelia de Lange Syndrome; Brachmann de Lange syndrome; TYPUS DEGENERATIVUS AMSTELODAMENSIS. Identifiers: Orphanet 199, MedGen C4551851, MONDO:0007387, OMIM 122470.

Submission:

3billion
Classification: Uncertain significance for Cornelia de Lange syndrome 1. Last evaluated: 2026-01-16. Review status: criteria provided, single submitter. Criteria: ACMG Guidelines, 2015. Collection method: clinical testing. Allele origin: germline. Affected: yes.
Comment: The variant is not observed in the gnomAD v4.1.0 dataset. Predicted Consequence/Location: Intron variant In silico tools predict the variant to alter splicing and produce an abnormal transcript [SpliceAI: 0.77 (>=0.2, moderate evidence for spliceogenicity)]. Therefore, this variant is classified as VUS according to the recommendation of ACMG/AMP guideline.